The following is an entry in ClinVar:

NM_153460.4(IL17RC):c.105+63C>A

Gene: IL17RC (interleukin 17 receptor C; plus strand). Cytogenetic location: 3p25.3.
Variant type: single nucleotide variant.
Coding change: c.105+63C>A on transcript NM_153460.4 (MANE Select); 63 bases into the intron after coding-DNA position 105, C replaced by A.
Molecular consequence: intron variant. On other transcripts: missense variant (1).
Genome position (GRCh38, 1-based): chr3:9,917,483, C>A. VCF-style: chr3-9917483-C-A. GRCh37 (hg19) VCF-style: chr3-9959167-C-A.
Other names: c.168C>A, p.Ser56Arg (NM_153461.4); c.105+63C>A (NM_001203263.2, NM_001203264.2, NM_001367278.1 and 5 more transcripts); short protein forms S56R.
Identifiers: ClinVar variation 2824074 (VCV002824074.3), dbSNP rs1470023019, ClinGen allele CA351753576.

ClinVar aggregate classification (germline): Uncertain significance (1 of 4 stars; one submission).

Conditions:
Candidiasis, familial, 9 (CANDF9). Identifiers: Orphanet 1334, MedGen C4225324, MONDO:0014642, OMIM 616445.

gnomAD v4.1: 2 of 1,614,180 alleles (0.00012%); highest among the groups gnomAD compares: South Asian, 0.0022%; no homozygotes.

Submission:

Labcorp Genetics (formerly Invitae), Labcorp
Classification: Uncertain significance for Candidiasis, familial, 9. Last evaluated: 2022-12-25. Review status: criteria provided, single submitter. Criteria: Invitae Variant Classification Sherloc (09022015). Collection method: clinical testing. Allele origin: germline.
Comment: This variant is not present in population databases (gnomAD no frequency). This sequence change replaces serine, which is neutral and polar, with arginine, which is basic and polar, at codon 56 of the IL17RC protein (p.Ser56Arg). This variant has not been reported in the literature in individuals affected with IL17RC-related conditions. Algorithms developed to predict the effect of missense changes on protein structure and function are either unavailable or do not agree on the potential impact of this missense change (SIFT: "Deleterious"; PolyPhen-2: "Benign"; Align-GVGD: "Class C0"). In summary, the available evidence is currently insufficient to determine the role of this variant in disease. Therefore, it has been classified as a Variant of Uncertain Significance.